The following is an entry in ClinVar:

ClinVar aggregate classification (germline): Conflicting classifications of pathogenicity. Review status: criteria provided, conflicting classifications (1 of 4 stars). 10 submissions from 10 submitters: Pathogenic (1); Likely pathogenic (6); Uncertain significance (3). Last evaluated 2026-09-23.

Conditions:
EPHB4-related disorder. Also called: EPHB4-related disorders; EPHB4-related condition.
Lymphatic malformation 7 (LMPHM7). Also called: Hydrops fetalis, nonimmune, and/or atrial septal defect, susceptibility to. Identifiers: MedGen C4310629, MONDO:0015009, OMIM 617300.
Capillary malformation-arteriovenous malformation 2 (CMAVM2). Identifiers: Orphanet 693912, MedGen C4748670, MONDO:0020785, OMIM 618196.
Cardiovascular phenotype. Identifiers: MedGen CN230736.

Allele frequency attached by ClinVar (database versions not stated): gnomAD exomes below 0.00001 and 0.00001; ExAC 0.00001; gnomAD 0.00001.
gnomAD v4.1: 5 of 1,526,982 alleles (0.00033%); highest among the groups gnomAD compares: East Asian, 0.0023%; no homozygotes.

Submissions (10):

PreventionGenetics, part of Exact Sciences
Classification: Likely pathogenic for EPHB4-related condition. Last evaluated: 2026-09-23. Review status: criteria provided, single submitter. Criteria: ACMG Guidelines, 2015. Collection method: clinical testing. Allele origin: germline.
Comment: The EPHB4 c.2512C>T variant is predicted to result in the amino acid substitution p.Arg838Trp. This variant has been reported in an individual with a capillary malformation (Amyere et al. 2017. PubMed ID: 28687708) and in an individual with a vein of Galen malformation (Zhao et al. 2023. PubMed ID: 37978175). This variant has been reported in an individual with EPHB4-associated vascular malformation spectrum, whose heterozygous mother displayed multiple capillary malformations (Wang et al. 2025. PubMed ID: 41317105). In vitro experimental studies using COS-7 cells suggests this variant decreases protein expression and decreases tyrosine kinase activity (Amyere et al. 2017. PubMed ID: 28687708; Zhao et al. 2023. PubMed ID: 37978175). This variant is reported in 0.0062% of alleles in individuals of East Asian descent in gnomAD. This variant is interpreted as likely pathogenic.

Ambry Genetics
Classification: Uncertain significance for Cardiovascular phenotype. Last evaluated: 2026-06-16. Review status: criteria provided, single submitter. Criteria: Ambry Variant Classification Scheme 2023. Collection method: clinical testing. Allele origin: germline.
Comment: The p.R838W variant (also known as c.2512C>T), located in coding exon 15 of the EPHB4 gene, results from a C to T substitution at nucleotide position 2512. The arginine at codon 838 is replaced by tryptophan, an amino acid with dissimilar properties. This variant was reported in an individual with capillary malformation and in an individual with vein of Galen malformation (Amyere M et al. Circulation, 2017 Sep;136:1037-1048; Zhao S et al. Nat Commun, 2023 Nov;14:7452). This amino acid position is highly conserved in available vertebrate species. In addition, this alteration is predicted to be deleterious by in silico analysis. Based on the available evidence, the clinical significance of this variant remains unclear.

3billion
Classification: Likely pathogenic for Capillary malformation-arteriovenous malformation 2. Last evaluated: 2025-04-04. Review status: criteria provided, single submitter. Criteria: ACMG Guidelines, 2015. Collection method: clinical testing. Allele origin: germline. Affected: yes.

Blueprint Genetics
Classification: Uncertain significance. Last evaluated: 2024-08-15. Review status: criteria provided, single submitter. Criteria: ACMG Guidelines, 2015. Collection method: clinical testing. Allele origin: germline.

ARUP Laboratories, Molecular Genetics and Genomics, ARUP Laboratories
Classification: Likely pathogenic. Last evaluated: 2024-07-01. Review status: criteria provided, single submitter. Criteria: ARUP Molecular Germline Variant Investigation Process 2024. Collection method: clinical testing. Allele origin: germline.
Comment: The EPHB4 c.2512C>T; p.Arg838Trp variant (rs764827256, ClinVar Variation ID: 691550) is reported in the literature in one individual affected with capillary malformation (Amyere 2017). Functional analyses of the variant protein in cell lines show low protein levels, likely caused by lysosomal degradation (Amyere 2017). This variant is found in the general population with an overall allele frequency of 0.0014% (3/216384 alleles) in the Genome Aggregation Database (v2.1.1). Computational analyses predict that this variant is deleterious (REVEL: 0.898). Based on available information, this variant is considered to be likely pathogenic. References: Amyere M et al. Germline Loss-of-Function Mutations in EPHB4 Cause a Second Form of Capillary Malformation-Arteriovenous Malformation (CM-AVM2) Deregulating RAS-MAPK Signaling. Circulation. 2017 Sep 12;136(11):1037-1048. PMID: 28687708.

Labcorp Genetics (formerly Invitae), Labcorp
Classification: Uncertain significance. Last evaluated: 2023-10-22. Review status: criteria provided, single submitter. Criteria: Invitae Variant Classification Sherloc (09022015). Collection method: clinical testing. Allele origin: germline.
Comment: This sequence change replaces arginine, which is basic and polar, with tryptophan, which is neutral and slightly polar, at codon 838 of the EPHB4 protein (p.Arg838Trp). The frequency data for this variant in the population databases is considered unreliable, as metrics indicate poor data quality at this position in the gnomAD database. This missense change has been observed in individual(s) with EPHB4-related conditions (PMID: 28687708). ClinVar contains an entry for this variant (Variation ID: 691550). Advanced modeling of protein sequence and biophysical properties (such as structural, functional, and spatial information, amino acid conservation, physicochemical variation, residue mobility, and thermodynamic stability) performed at Invitae indicates that this missense variant is expected to disrupt EPHB4 protein function. Experimental studies have shown that this missense change affects EPHB4 function (PMID: 28687708). In summary, the available evidence is currently insufficient to determine the role of this variant in disease. Therefore, it has been classified as a Variant of Uncertain Significance.

Molecular Diagnostics Laboratory, M Health Fairview: University of Minnesota
Classification: Likely pathogenic for Capillary malformation-arteriovenous malformation 2. Last evaluated: 2021-04-12. Review status: criteria provided, single submitter. Criteria: ACMG Guidelines, 2015. Collection method: clinical testing. Allele origin: germline. Affected: yes.

CeGaT Center for Human Genetics Tuebingen
Classification: Pathogenic. Last evaluated: 2020-03-01. Review status: criteria provided, single submitter. Criteria: CeGaT Center For Human Genetics Tuebingen Variant Classification Criteria Version 2. Collection method: clinical testing. Allele origin: germline. Affected: yes. Observed: 2 variant alleles.

SIB Swiss Institute of Bioinformatics
Classification: Likely pathogenic for Capillary malformation-arteriovenous malformation 2. Last evaluated: 2019-03-29. Review status: criteria provided, single submitter. Criteria: ACMG Guidelines, 2015. Collection method: curation. Allele origin: unknown.
Comment: This variant is interpreted as a Likely pathogenic for Capillary malformation-arteriovenous malformation 2. The following ACMG Tag(s) were applied: PM1: Located in a mutational hot spot and/or critical and well-established functional domain (e.g.,active site of an enzyme) without benign variation. PS3: Well-established functional studies show a deleterious effect.

Juno Genomics, Hangzhou Juno Genomics, Inc
Classification: Likely pathogenic for Capillary malformation-arteriovenous malformation 2; Lymphatic malformation 7. Review status: criteria provided, single submitter. Criteria: ACMG Guidelines, 2015. Collection method: clinical testing. Allele origin: germline.
Comment: Absent from controls (or at extremely low frequency if recessive) in Genome Aggregation Database.;Well-established in vitro or in vivo functional studies supportive of a damaging effect on the gene or gene product.;Located in a mutational hot spot and/or critical and well-established functional domain without benign variation.;The prevalence of the variant in affected individuals is significantly increased compared to the prevalence in controls.;Patient's phenotype or family history is highly specific for a disease with a single genetic etiology.

Literature cited by the submitters: PubMed 28687708 (cited by 4 submitters); PubMed 37978175 (cited by Ambry Genetics).

NM_004444.5(EPHB4):c.2512C>T (p.Arg838Trp)

Genes: EPHB4 (EPH receptor B4; minus strand), LOC126860124 (CDK7 strongly-dependent group 2 enhancer GRCh37_chr7:100403701-100404900; plus strand). Cytogenetic location: 7q22.1.
Variant type: single nucleotide variant.
Coding change: c.2512C>T on transcript NM_004444.5 (MANE Select); coding-DNA position 2512, C replaced by T.
Protein change: p.Arg838Trp; replaces arginine 838 with tryptophan.
Molecular consequence: missense variant.
Genome position (GRCh38, 1-based): chr7:100,805,667, G>A on the plus strand (C>T on the coding strand, the complement: EPHB4 is on the minus strand). VCF-style: chr7-100805667-G-A. GRCh37 (hg19) VCF-style: chr7-100403289-G-A.
Other names: short protein forms R838W.
Identifiers: ClinVar variation 691550 (VCV000691550.59), dbSNP rs764827256, ClinGen allele CA4392620.